The following is an entry in ClinVar:

NM_001082971.2(DDC):c.79C>T (p.Arg27Cys)

Gene: DDC (dopa decarboxylase; minus strand). Cytogenetic location: 7p12.1.
Variant type: single nucleotide variant.
Coding change: c.79C>T on transcript NM_001082971.2 (MANE Select); coding-DNA position 79, C replaced by T.
Protein change: p.Arg27Cys; replaces arginine 27 with cysteine.
Molecular consequence: missense variant.
Genome position (GRCh38, 1-based): chr7:50,544,007, G>A on the plus strand (C>T on the coding strand, the complement: DDC is on the minus strand). VCF-style: chr7-50544007-G-A. GRCh37 (hg19) VCF-style: chr7-50611705-G-A.
Other names: c.79C>T, p.Arg27Cys (NM_000790.4, NM_001242886.2, NM_001242887.2 and 3 more transcripts); short protein forms R27C.
Identifiers: ClinVar variation 1016057 (VCV001016057.6), dbSNP rs752474261, ClinGen allele CA4262510.

ClinVar aggregate classification (germline): Uncertain significance (1 of 4 stars; one submission).

Conditions:
Deficiency of aromatic-L-amino-acid decarboxylase. Also called: DDC DEFICIENCY; DOPA DECARBOXYLASE DEFICIENCY; AADC DEFICIENCY; Aromatic amino acid decarboxylase deficiency; Aromatic L-Amino Acid Decarboxylase Deficiency. Identifiers: Orphanet 35708, MedGen C1291564, MONDO:0012084, OMIM 608643.

Allele frequency attached by ClinVar (database versions not stated): gnomAD 0.00001 and 0.00002; ExAC 0.00002; gnomAD exomes 0.00002 and 0.00003; TOPMed 0.00004.
gnomAD v4.1: 36 of 1,614,000 alleles (0.0022%); highest among the groups gnomAD compares: Admixed American, 0.0033%; no homozygotes.

Submission:

Labcorp Genetics (formerly Invitae), Labcorp
Classification: Uncertain significance for Deficiency of aromatic-L-amino-acid decarboxylase. Last evaluated: 2024-05-22. Review status: criteria provided, single submitter. Criteria: Invitae Variant Classification Sherloc (09022015). Collection method: clinical testing. Allele origin: germline.
Comment: This sequence change replaces arginine, which is basic and polar, with cysteine, which is neutral and slightly polar, at codon 27 of the DDC protein (p.Arg27Cys). This variant is present in population databases (rs752474261, gnomAD 0.006%). This variant has not been reported in the literature in individuals affected with DDC-related conditions. ClinVar contains an entry for this variant (Variation ID: 1016057). Advanced modeling of protein sequence and biophysical properties (such as structural, functional, and spatial information, amino acid conservation, physicochemical variation, residue mobility, and thermodynamic stability) performed at Invitae indicates that this missense variant is expected to disrupt DDC protein function with a positive predictive value of 80%. In summary, the available evidence is currently insufficient to determine the role of this variant in disease. Therefore, it has been classified as a Variant of Uncertain Significance.